The following is an entry in ClinVar:

NM_020207.7(ERCC6L2):c.242A>G (p.Asn81Ser)

Gene: ERCC6L2 (ERCC excision repair 6 like 2; plus strand). Cytogenetic location: 9q22.32.
Variant type: single nucleotide variant.
Coding change: c.242A>G on transcript NM_020207.7 (MANE Select); coding-DNA position 242, A replaced by G.
Protein change: p.Asn81Ser; replaces asparagine 81 with serine.
Molecular consequence: missense variant. On other transcripts: non-coding transcript variant (1).
Genome position (GRCh38, 1-based): chr9:95,881,064, A>G. VCF-style: chr9-95881064-A-G. GRCh37 (hg19) VCF-style: chr9-98643346-A-G.
Other names: c.242A>G, p.Asn81Ser (NM_001010895.4, NM_001375291.1, NM_001375292.1 and 2 more transcripts); short protein forms N81S.
Identifiers: ClinVar variation 4250547 (VCV004250547.1).

ClinVar aggregate classification (germline): Uncertain significance (1 of 4 stars; one submission).

Conditions:
Inborn genetic diseases. Identifiers: MedGen C0950123, MeSH D030342.

Submission:

Ambry Genetics
Classification: Uncertain significance for Inborn genetic diseases. Last evaluated: 2025-06-21. Review status: criteria provided, single submitter. Criteria: Ambry Variant Classification Scheme 2023. Collection method: clinical testing. Allele origin: germline.
Comment: The p.N81S variant (also known as c.242A>G), located in coding exon 2 of the ERCC6L2 gene, results from an A to G substitution at nucleotide position 242. The asparagine at codon 81 is replaced by serine, an amino acid with highly similar properties. This amino acid position is conserved. In addition, this alteration is predicted to be tolerated by in silico analysis. Based on the available evidence, the clinical significance of this variant remains unclear.